The following is an entry in ClinVar:

ClinVar aggregate classification (germline): Uncertain significance (0 of 4 stars; one submission).

Conditions:
Carcinoma of colon (CRC). Also called: Colonic carcinoma; Colon carcinoma. Identifiers: MedGen C0699790, MONDO:0002032.

Submission:

Immunobiology Lab; University of Kashmir
Classification: Uncertain significance for Carcinoma of colon. Last evaluated: 2015-01-24. Review status: no assertion criteria provided. Collection method: case-control. Allele origin: somatic. Affected: yes. Study: Mutational Hotspot profiling of Tyrosine Kinase domain of VEGF receptors in Human colorectal tumors.
Comment: The variation(s) were confirmed by double pass sequencing of PCR products amplified from genomic DNA of colonic lesions fron colorectal patients

NM_002253.4(KDR):c.2656C>A (p.Leu886Ile)

Gene: KDR (kinase insert domain receptor; minus strand). Cytogenetic location: 4q12.
Variant type: single nucleotide variant.
Coding change: c.2656C>A on transcript NM_002253.4 (MANE Select); coding-DNA position 2656, C replaced by A.
Protein change: p.Leu886Ile; replaces leucine 886 with isoleucine.
Molecular consequence: missense variant.
Genome position (GRCh38, 1-based): chr4:55,096,301, G>T on the plus strand (C>A on the coding strand, the complement: KDR is on the minus strand). VCF-style: chr4-55096301-G-T. GRCh37 (hg19) VCF-style: chr4-55962468-G-T.
Other names: KP761781; short protein forms L886I.
Identifiers: ClinVar variation 204326 (VCV000204326.3), dbSNP rs794729676, ClinGen allele CA251249.